The following is an entry in ClinVar:

ClinVar aggregate classification (germline): Likely benign. Review status: criteria provided, multiple submitters, no conflicts (2 of 4 stars). 2 submissions from 2 submitters: Likely benign (2). Last evaluated 2025-12-31.

Conditions:
Arrhythmogenic right ventricular cardiomyopathy (ARVD). Also called: Arrhythmogenic cardiomyopathy; Cardiomyopathy, ARVC; Arrhythmogenic right ventricular dysplasia; Arrhythmogenic Right Ventricular Cardiomyopathy (ARVC). Identifiers: Orphanet 247, MedGen C0349788, MeSH D019571, MONDO:0016587. Disease mechanism: loss of function. Inheritance: Various modes of inheritance.
Arrhythmogenic right ventricular dysplasia 9 (ARVD9). Also called: Arrhythmogenic Right Ventricular Dysplasia/Cardiomyopathy 9; ARRHYTHMOGENIC RIGHT VENTRICULAR DYSPLASIA, FAMILIAL, 9. Identifiers: MedGen C1836906, MONDO:0012180, OMIM 609040.

Submissions (2):

Labcorp Genetics (formerly Invitae), Labcorp
Classification: Likely benign for Arrhythmogenic right ventricular dysplasia 9. Last evaluated: 2025-12-31. Review status: criteria provided, single submitter. Criteria: Invitae Variant Classification Sherloc (09022015). Collection method: clinical testing. Allele origin: germline.

All of Us Research Program, National Institutes of Health
Classification: Likely benign for Arrhythmogenic right ventricular cardiomyopathy. Last evaluated: 2024-05-14. Review status: criteria provided, single submitter. Criteria: ACMG Guidelines, 2015. Collection method: clinical testing. Allele origin: germline. Inheritance: Autosomal dominant inheritance. Observed: 4 variant alleles, 4 heterozygotes.
Comment: This study involves interpretation of variants in research participants for the purpose of population health screening. Participant phenotype was not available at the time of variant classification. Additional details can be found in publication PMID: 35346344, PMCID: PMC8962531

NM_001005242.3(PKP2):c.1379-2011G>C

Gene: PKP2 (plakophilin 2; minus strand). Cytogenetic location: 12p11.21.
Variant type: single nucleotide variant.
Coding change: c.1379-2011G>C on transcript NM_001005242.3 (MANE Select); 2011 bases into the intron before coding-DNA position 1379, G replaced by C.
Molecular consequence: intron variant. On other transcripts: synonymous variant (1).
Genome position (GRCh38, 1-based): chr12:32,843,216, C>G on the plus strand (G>C on the coding strand, the complement: PKP2 is on the minus strand). VCF-style: chr12-32843216-C-G. GRCh37 (hg19) VCF-style: chr12-32996150-C-G.
Other names: c.1476G>C, p.Thr492= (NM_004572.4).
Identifiers: ClinVar variation 699225 (VCV000699225.12), dbSNP rs140301552, ClinGen allele CA479177742.